The following is an entry in ClinVar:

NM_005121.3(MED13):c.5540G>C (p.Cys1847Ser)

Gene: MED13 (mediator complex subunit 13; minus strand). Cytogenetic location: 17q23.2.
Variant type: single nucleotide variant.
Coding change: c.5540G>C on transcript NM_005121.3 (MANE Select); coding-DNA position 5540, G replaced by C.
Protein change: p.Cys1847Ser; replaces cysteine 1847 with serine.
Molecular consequence: missense variant.
Genome position (GRCh38, 1-based): chr17:61,956,422, C>G on the plus strand (G>C on the coding strand, the complement: MED13 is on the minus strand). VCF-style: chr17-61956422-C-G. GRCh37 (hg19) VCF-style: chr17-60033783-C-G.
Other names: short protein forms C1847S.
Identifiers: ClinVar variation 4690056 (VCV004690056.1).
Genomic context (GRCh38, chr17:61,956,422, plus strand): 5'-CTTCCTAGACGACCAATTACAACTCTCCATGGCAATGAACTCATTTGTACAAGTCCTAAG[C>G]ACCACTCCCAAAGTTTCTGTAGACCAAATTTTCTAGCAGAACTTTTTTTCCGACGAGCCC-3'
Protein context (NP_005112.2, residues 1837-1857): KFGLQKLWEW[Cys1847Ser]LGLVQMSSLP

ClinVar aggregate classification (germline): Uncertain significance (1 of 4 stars; one submission).

Submission:

GeneDx
Classification: Uncertain significance. Last evaluated: 2025-07-28. Review status: criteria provided, single submitter. Criteria: GeneDx Variant Classification Process June 2021. Collection method: clinical testing. Allele origin: germline. Affected: yes.
Comment: Not observed at significant frequency in large population cohorts (gnomAD); In silico analysis supports that this missense variant has a deleterious effect on protein structure/function; Has not been previously published as pathogenic or benign to our knowledge